The following is an entry in ClinVar:

NM_000038.6(APC):c.7105_7120delinsT (p.Pro2369_Ser2374delinsCys)

Gene: APC (APC regulator of Wnt signaling pathway; plus strand). Cytogenetic location: 5q22.2.
Variant type: Indel.
Coding change: c.7105_7120delinsT on transcript NM_000038.6 (MANE Select); coding-DNA positions 7105 to 7120, CCAGGTAGACAGATGA replaced by T.
Protein change: p.Pro2369_Ser2374delinsCys.
Molecular consequence: inframe indel.
Genome position (GRCh38, 1-based): chr5:112,842,699-112,842,714, CCAGGTAGACAGATGA replaced by T. VCF-style: chr5-112842699-CCAGGTAGACAGATGA-T. GRCh37 (hg19) VCF-style: chr5-112178396-CCAGGTAGACAGATGA-T.
Other names: c.6625_6640delinsT, p.Pro2209_Ser2214delinsCys (NM_001354905.2); c.6256_6271delinsT, p.Pro2086_Ser2091delinsCys (NM_001354906.2); c.7189_7204del16insT, p.Pro2397_Ser2402delinsCys (NM_001407446.1); c.7159_7174del16insT, p.Pro2387_Ser2392delinsCys (NM_001407447.1, NM_001407448.1, NM_001407449.1); c.7105_7120del16insT, p.Pro2369_Ser2374delinsCys (NM_001407450.1); c.7084_7099del16insT, p.Pro2362_Ser2367delinsCys (NM_001407451.1); c.7075_7090del16insT, p.Pro2359_Ser2364delinsCys (NM_001407452.1); c.6928_6943del16insT, p.Pro2310_Ser2315delinsCys (NM_001407453.1); and 16 more.
Identifiers: ClinVar variation 1757197 (VCV001757197.2), dbSNP rs2533769171, ClinGen allele CA2580072370.

ClinVar aggregate classification (germline): Uncertain significance (1 of 4 stars; one submission).

Conditions:
Hereditary cancer-predisposing syndrome. Also called: Neoplastic Syndromes, Hereditary; Tumor predisposition; Hereditary Cancer Syndrome; Hereditary neoplastic syndrome. Identifiers: Orphanet 140162, MedGen C0027672, MeSH D009386, MONDO:0015356.

Submission:

Ambry Genetics
Classification: Uncertain significance for Hereditary cancer-predisposing syndrome. Last evaluated: 2021-06-23. Review status: criteria provided, single submitter. Criteria: Ambry Variant Classification Scheme 2023. Collection method: clinical testing. Allele origin: germline.
Comment: The c.7105_7120del16insT variant (also known as p.P2369_S2374delinsC), located in coding exon 15 of the APC gene, results from an in-frame deletion of CCAGGTAGACAGATGA and insertion of T at nucleotide positions 7105 to 7120. This results in the substitution of the residue for a cysteine residue at codon 2369, an amino acid with highly similar properties. This amino acid position is well conserved in available vertebrate species. In addition, this alteration is predicted to be deleterious by in silico analysis (Choi Y et al. PLoS ONE. 2012; 7(10):e46688). Since supporting evidence is limited at this time, the clinical significance of this alteration remains unclear.